The following is an entry in ClinVar:

NM_032043.3(BRIP1):c.2440C>T (p.Arg814Cys)

Gene: BRIP1 (BRCA1 interacting DNA helicase 1; minus strand). Cytogenetic location: 17q23.2.
Variant type: single nucleotide variant.
Coding change: c.2440C>T on transcript NM_032043.3 (MANE Select); coding-DNA position 2440, C replaced by T.
Protein change: p.Arg814Cys; replaces arginine 814 with cysteine.
Molecular consequence: missense variant.
Genome position (GRCh38, 1-based): chr17:61,716,003, G>A on the plus strand (C>T on the coding strand, the complement: BRIP1 is on the minus strand). VCF-style: chr17-61716003-G-A. GRCh37 (hg19) VCF-style: chr17-59793364-G-A.
Other names: p.R814C:CGT>TGT; short protein forms R814C.
Identifiers: ClinVar variation 133755 (VCV000133755.46), dbSNP rs201869624, ClinGen allele CA157701.
Genomic context (GRCh38, chr17:61,716,003, plus strand): 5'-CCACTTACCTACCAAGGGCCTGGTTTAAGGCCCTGTATGCTTGAATTTCATACCACTGAC[G>A]GCCAGGTAGAAGACCTCTCAATTTTGAATGGTGGTCATTGTATTGTCGTTTTAGTTCAAC-3'
Protein context (NP_114432.2, residues 804-824): HSKLRGLLPG[Arg814Cys]QWYEIQAYRA

ClinVar aggregate classification (germline): Conflicting classifications of pathogenicity. Review status: criteria provided, conflicting classifications (1 of 4 stars). 21 submissions from 21 submitters: Uncertain significance (4); Benign (5); Likely benign (8). 4 of the submissions do not count toward it. Last evaluated 2026-02-03.

Conditions:
Fanconi anemia complementation group J. Also called: BRIP1-Related Fanconi Anemia. Identifiers: Orphanet 84, MedGen C1836860, MONDO:0012187, OMIM 609054.
Ovarian cancer. Also called: OVARIAN CANCER, SOMATIC. Identifiers: Orphanet 213500, MedGen C1140680, MONDO:0008170, OMIM 167000.
Breast and/or ovarian cancer. Identifiers: MedGen CN221562.
Hereditary cancer-predisposing syndrome. Also called: Tumor predisposition; Hereditary neoplastic syndrome; Neoplastic Syndromes, Hereditary; Hereditary Cancer Syndrome. Identifiers: Orphanet 140162, MedGen C0027672, MeSH D009386, MONDO:0015356.
Familial cancer of breast. Also called: Hereditary breast cancer; BREAST CANCER, FAMILIAL; hereditary breast carcinoma. Identifiers: Orphanet 227535, MedGen C0346153, MONDO:0016419, OMIM 114480. Disease mechanism: loss of function.
Hereditary breast ovarian cancer syndrome. Also called: Hereditary breast and/or ovarian cancer syndrome; Hereditary breast and ovarian cancer syndrome; Hereditary breast and ovarian cancer syndrome (HBOC); Hereditary breast and ovarian cancer; Breast and ovarian cancer; BRCA1- and BRCA2-Associated Hereditary Breast and Ovarian Cancer. Identifiers: Orphanet 145, MedGen C0677776, MeSH D061325, MONDO:0003582. Disease mechanism: loss of function.
Malignant tumor of breast. Also called: Malignant breast neoplasm; Cancer breast. Identifiers: MedGen C0006142, MONDO:0007254. Disease mechanism: loss of function.

Allele frequency attached by ClinVar (database versions not stated): 1000 Genomes Project 0.00100; gnomAD exomes 0.00015 and 0.00047; gnomAD 0.00016 and 0.00025; TOPMed 0.00024; ExAC 0.00048; 1000 Genomes Project 30x 0.00094.
gnomAD v4.1: 267 of 1,608,894 alleles (0.017%); highest among the groups gnomAD compares: East Asian, 0.37%; no homozygotes.

Submissions 1 to 20 of 21:

Labcorp Genetics (formerly Invitae), Labcorp
Classification: Benign for Familial cancer of breast; Fanconi anemia complementation group J. Last evaluated: 2026-02-03. Review status: criteria provided, single submitter. Criteria: Invitae Variant Classification Sherloc (09022015). Collection method: clinical testing. Allele origin: germline.

Center for Genomic Medicine, Rigshospitalet, Copenhagen University Hospital
Classification: Uncertain significance. Last evaluated: 2025-12-29. Review status: criteria provided, single submitter. Criteria: ACMG Guidelines, 2015. Collection method: clinical testing. Allele origin: germline.

Quest Diagnostics Nichols Institute San Juan Capistrano
Classification: Benign. Last evaluated: 2025-06-17. Review status: criteria provided, single submitter. Criteria: Quest Diagnostics criteria. Collection method: clinical testing. Allele origin: unknown.

Laboratory of Genetics, Children's Clinical University Hospital Latvia
Classification: Likely benign. Last evaluated: 2025-02-16. Review status: criteria provided, single submitter. Criteria: ACMG Guidelines, 2015. Collection method: clinical testing. Allele origin: germline. Affected: yes.

Blueprint Genetics
Classification: Likely benign. Last evaluated: 2024-09-20. Review status: criteria provided, single submitter. Criteria: ACMG Guidelines, 2015. Collection method: clinical testing. Allele origin: germline.

Institute for Biomarker Research, Medical Diagnostic Laboratories, L.L.C.
Classification: Benign for Hereditary cancer-predisposing syndrome. Last evaluated: 2024-09-16. Review status: criteria provided, single submitter. Criteria: ACMG Guidelines, 2015. Collection method: clinical testing. Allele origin: germline.
Comment: The missense variant NM_032043.3(BRIP1):c.2440C>T (p.Arg814Cys) has not been reported previously as a pathogenic variant, to our knowledge. The p.Arg814Cys missense variant is predicted to be damaging by both SIFT and PolyPhen2. The arginine residue at codon 814 of BRIP1 is conserved in all mammalian species. The nucleotide c.2440 in BRIP1 is predicted conserved by GERP++ and PhyloP across 100 vertebrates. For these reasons, this variant has been classified as Benign.

Mendelics
Classification: Benign for Fanconi anemia complementation group J. Last evaluated: 2023-08-22. Review status: criteria provided, single submitter. Criteria: Mendelics Assertion Criteria 2019. Collection method: clinical testing. Allele origin: germline.

CHEO Genetics Diagnostic Laboratory, Children's Hospital of Eastern Ontario
Classification: Likely benign for Breast and/or ovarian cancer. Last evaluated: 2023-05-23. Review status: criteria provided, single submitter. Criteria: ACMG Guidelines, 2015. Collection method: clinical testing. Allele origin: germline.

Myriad Genetics, Inc.
Classification: Likely benign for Familial cancer of breast. Last evaluated: 2023-03-02. Review status: criteria provided, single submitter. Criteria: Myriad Autosomal Dominant, Autosomal Recessive and X-Linked Classification Criteria (2023). Collection method: clinical testing. Allele origin: unknown.
Comment: This variant is considered likely benign. This variant has been observed at a population frequency that is significantly greater than expected given the associated disease prevalence and penetrance.

Sema4
Classification: Benign for Hereditary cancer-predisposing syndrome. Last evaluated: 2020-08-18. Review status: criteria provided, single submitter. Criteria: Sema4 Curation Guidelines. Collection method: curation. Allele origin: germline.

Ambry Genetics
Classification: Likely benign for Hereditary cancer-predisposing syndrome. Last evaluated: 2020-06-17. Review status: criteria provided, single submitter. Criteria: Ambry Variant Classification Scheme 2023. Collection method: clinical testing. Allele origin: germline.

Cancer Genomics Group, Japanese Foundation For Cancer Research
Classification: Uncertain significance for Hereditary breast and ovarian cancer syndrome. Last evaluated: 2019-05-01. Review status: criteria provided, single submitter. Criteria: ACMG Guidelines, 2015. Collection method: research. Allele origin: germline. Affected: yes.

GeneKor MSA
Classification: Uncertain significance for Hereditary cancer-predisposing syndrome. Last evaluated: 2018-08-01. Review status: criteria provided, single submitter. Criteria: ACMG Guidelines, 2015. Collection method: clinical testing. Allele origin: germline.

GeneDx
Classification: Likely benign. Last evaluated: 2017-10-20. Review status: criteria provided, single submitter. Criteria: GeneDx Variant Classification (06012015). Collection method: clinical testing. Allele origin: germline. Affected: yes.
Comment: This variant is considered likely benign or benign based on one or more of the following criteria: it is a conservative change, it occurs at a poorly conserved position in the protein, it is predicted to be benign by multiple in silico algorithms, and/or has population frequency not consistent with disease.

Women's Health and Genetics/Laboratory Corporation of America, LabCorp
Classification: Likely benign. Last evaluated: 2016-12-09. Review status: criteria provided, single submitter. Criteria: LabCorp Variant Classification Summary - May 2015. Collection method: clinical testing. Allele origin: germline.
Comment: Variant summary: The BRIP1 c.2440C>T (p.Arg814Cys) variant located in the P-loop containing nucleoside triphosphate hydrolase and ATP-dependent helicase, C-terminal domains (via InterPro) causes a missense change involving a conserved nucleotide, which 4/4 in silico tools (SNPs&GO not captured due to low reliability index) predict a damaging outcome, although these predictions have yet to be functionally assessed. The variant of interest was observed in the large, broad control population, ExAC, with an allele frequency of 58/120652 (1/2080), predominantly in the East Asian cohort, 47/8492 (1/180), which significantly exceeds the estimated maximal expected allele frequency for a pathogenic BRIP1 variant of 1/16000. Therefore, suggesting the variant is a common polymorphism found in population(s) of East Asian origin. The variant of interest has been reported in multiple affected individuals via publications as a germline and somatic mutation. In addition multiple clinical diagnostic laboratories cite the variant with conflicting classifications of "uncertain significance" or "likely benign." Therefore, taking all available lines of evidence into consideration, the variant of interest has been classified as "Likely Benign."

Genetic Services Laboratory, University of Chicago
Classification: Uncertain significance. Last evaluated: 2016-06-08. Review status: criteria provided, single submitter. Criteria: ACMG Guidelines, 2015. Collection method: clinical testing. Allele origin: germline. Affected: no.

Color Diagnostics, LLC DBA Color Health
Classification: Likely benign for Hereditary cancer-predisposing syndrome. Last evaluated: 2015-04-27. Review status: criteria provided, single submitter. Criteria: ACMG Guidelines, 2015. Collection method: clinical testing. Allele origin: germline.

Leiden Open Variation Database
Classification: Uncertain significance. Last evaluated: 2019-08-13. Review status: no assertion criteria provided. Collection method: curation. Allele origin: germline. Affected: yes. Not counted in ClinVar's aggregate classification.
Comment: Curator: Arleen D. Auerbach. Submitter to LOVD: Yukihide Momozawa.

Counsyl
Classification: Uncertain significance for Fanconi anemia complementation group J; Ovarian cancer. Last evaluated: 2016-12-14. Review status: no assertion criteria provided. Collection method: clinical testing. Allele origin: unknown. Not counted in ClinVar's aggregate classification.

ITMI
No classification provided. Condition: AllHighlyPenetrant. Last evaluated: 2013-09-19. Review status: no classification provided. Collection method: reference population. Allele origin: germline. Not counted in ClinVar's aggregate classification.
Comment: Please see associated publication for description of ethnicities